The following is an entry in ClinVar:

ClinVar aggregate classification (germline): Likely benign. Review status: criteria provided, multiple submitters, no conflicts (2 of 4 stars). 5 submissions from 4 submitters: Likely benign (5). Last evaluated 2025-12-08.

Conditions:
Autosomal dominant nocturnal frontal lobe epilepsy 5. Also called: KCNT1-Related Epilepsy; CILIARY DYSKINESIA, PRIMARY, 28, WITHOUT SITUS INVERSUS; CILIARY DYSKINESIA, PRIMARY, 28, WITH SITUS INVERSUS; Epilepsy, nocturnal frontal lobe, 5. Identifiers: Orphanet 98784, MedGen C3554306, MONDO:0014002, OMIM 615005.
Developmental and epileptic encephalopathy, 14 (DEE14). Also called: Early infantile epileptic encephalopathy 14. Identifiers: Orphanet 293181, MedGen C3554195, MONDO:0013989, OMIM 614959.

Allele frequency attached by ClinVar (database versions not stated): ExAC 0.00007; ESP Exome Variant Server 0.00016; gnomAD 0.00004 and 0.00005; gnomAD exomes 0.00004 and 0.00005; TOPMed 0.00006.
gnomAD v4.1: 73 of 1,452,712 alleles (0.005%); highest among the groups gnomAD compares: Non-Finnish European, 0.0062%; no homozygotes.

Submissions (5):

Labcorp Genetics (formerly Invitae), Labcorp
Classification: Likely benign for Autosomal dominant nocturnal frontal lobe epilepsy 5; Developmental and epileptic encephalopathy, 14. Last evaluated: 2025-12-08. Review status: criteria provided, single submitter. Criteria: Invitae Variant Classification Sherloc (09022015). Collection method: clinical testing. Allele origin: germline.

CeGaT Center for Human Genetics Tuebingen
Classification: Likely benign. Last evaluated: 2025-05-01. Review status: criteria provided, single submitter. Criteria: CeGaT Center For Human Genetics Tuebingen Variant Classification Criteria Version 2. Collection method: clinical testing. Allele origin: germline. Affected: yes. Observed: 1 variant allele.
Comment: KCNT1: BP4, BP7

Genome-Nilou Lab
Classification: Likely benign for Developmental and epileptic encephalopathy, 14. Last evaluated: 2022-03-15. Review status: criteria provided, single submitter. Criteria: ACMG Guidelines, 2015. Collection method: clinical testing. Allele origin: germline. Affected: no.

Genome-Nilou Lab
Classification: Likely benign for Autosomal dominant nocturnal frontal lobe epilepsy 5. Last evaluated: 2022-03-15. Review status: criteria provided, single submitter. Criteria: ACMG Guidelines, 2015. Collection method: clinical testing. Allele origin: germline. Affected: no.

GeneDx
Classification: Likely benign. Last evaluated: 2019-03-13. Review status: criteria provided, single submitter. Criteria: GeneDx Variant Classification Process June 2021. Collection method: clinical testing. Allele origin: germline. Affected: yes.

NM_020822.3(KCNT1):c.231C>T (p.Asp77=)

Gene: KCNT1 (potassium sodium-activated channel subfamily T member 1; plus strand). Cytogenetic location: 9q34.3.
Variant type: single nucleotide variant.
Coding change: c.231C>T on transcript NM_020822.3 (MANE Select); coding-DNA position 231, C replaced by T.
Protein change: p.Asp77=; no amino-acid change (aspartic acid 77 retained).
Molecular consequence: synonymous variant. On other transcripts: intron variant (1).
Genome position (GRCh38, 1-based): chr9:135,714,697, C>T. VCF-style: chr9-135714697-C-T. GRCh37 (hg19) VCF-style: chr9-138606543-C-T.
Other names: c.110+12329C>T (NM_001272003.2).
Identifiers: ClinVar variation 473372 (VCV000473372.24), dbSNP rs370998066, ClinGen allele CA5326304.